The following is an entry in ClinVar:

NM_003242.6(TGFBR2):c.1649G>C (p.Arg550Thr)

Gene: TGFBR2 (transforming growth factor beta receptor 2; plus strand). Cytogenetic location: 3p24.1.
Variant type: single nucleotide variant.
Coding change: c.1649G>C on transcript NM_003242.6 (MANE Select); coding-DNA position 1649, G replaced by C.
Protein change: p.Arg550Thr; replaces arginine 550 with threonine.
Molecular consequence: missense variant.
Genome position (GRCh38, 1-based): chr3:30,691,544, G>C. VCF-style: chr3-30691544-G-C. GRCh37 (hg19) VCF-style: chr3-30733036-G-C.
Other names: c.1724G>C, p.Arg575Thr (NM_001024847.3); c.1832G>C, p.Arg611Thr (NM_001407126.1); c.1757G>C, p.Arg586Thr (NM_001407127.1); c.1676G>C, p.Arg559Thr (NM_001407128.1); c.1652G>C, p.Arg551Thr (NM_001407129.1); c.1646G>C, p.Arg549Thr (NM_001407130.1); c.1544G>C, p.Arg515Thr (NM_001407132.1, NM_001407133.1, NM_001407134.1 and 2 more transcripts); c.1364G>C, p.Arg455Thr (NM_001407137.1); and 2 more; short protein forms R260T, R430T, R455T, R515T, R549T, R550T, R551T, R559T.
Identifiers: ClinVar variation 4801617 (VCV004801617.1).

ClinVar aggregate classification (germline): Uncertain significance (1 of 4 stars; one submission).

Conditions:
Familial thoracic aortic aneurysm and aortic dissection (TAAD). Also called: Thoracic aortic aneurysms and dissections. Identifiers: Orphanet 91387, MedGen C4707243, MONDO:0019625.

Submission:

Labcorp Genetics (formerly Invitae), Labcorp
Classification: Uncertain significance for Familial thoracic aortic aneurysm and aortic dissection. Last evaluated: 2025-05-13. Review status: criteria provided, single submitter. Criteria: Invitae Variant Classification Sherloc (09022015). Collection method: clinical testing. Allele origin: germline.
Comment: This sequence change replaces arginine, which is basic and polar, with threonine, which is neutral and polar, at codon 550 of the TGFBR2 protein (p.Arg550Thr). This variant is not present in population databases (gnomAD no frequency). This variant has not been reported in the literature in individuals affected with TGFBR2-related conditions. Invitae Evidence Modeling of protein sequence and biophysical properties (such as structural, functional, and spatial information, amino acid conservation, physicochemical variation, residue mobility, and thermodynamic stability) has been performed for this missense variant. However, the output from this modeling did not meet the statistical confidence thresholds required to predict the impact of this variant on TGFBR2 protein function. In summary, the available evidence is currently insufficient to determine the role of this variant in disease. Therefore, it has been classified as a Variant of Uncertain Significance.